The following is an entry in ClinVar:

NM_001232.4(CASQ2):c.479G>T (p.Arg160Leu)

Gene: CASQ2 (calsequestrin 2; minus strand). Cytogenetic location: 1p13.1.
Variant type: single nucleotide variant.
Coding change: c.479G>T on transcript NM_001232.4 (MANE Select); coding-DNA position 479, G replaced by T.
Protein change: p.Arg160Leu; replaces arginine 160 with leucine.
Molecular consequence: missense variant.
Genome position (GRCh38, 1-based): chr1:115,738,277, C>A on the plus strand (G>T on the coding strand, the complement: CASQ2 is on the minus strand). VCF-style: chr1-115738277-C-A. GRCh37 (hg19) VCF-style: chr1-116280898-C-A.
Other names: short protein forms R160L.
Identifiers: ClinVar variation 4782085 (VCV004782085.1).

ClinVar aggregate classification (germline): Uncertain significance (1 of 4 stars; one submission).

Conditions:
Catecholaminergic polymorphic ventricular tachycardia 1. Also called: VENTRICULAR TACHYCARDIA, STRESS-INDUCED POLYMORPHIC 1; RYR2-Related Catecholaminergic Polymorphic Ventricular Tachycardia; VENTRICULAR TACHYCARDIA, CATECHOLAMINERGIC POLYMORPHIC, 1, WITH OR WITHOUT ATRIAL DYSFUNCTION AND/OR DILATED CARDIOMYOPATHY. Identifiers: Orphanet 3286, MedGen C1631597, MONDO:0011484, OMIM 604772.

gnomAD v4.1: 3 of 1,613,864 alleles (0.00019%); highest among the groups gnomAD compares: East Asian, 0.0022%; no homozygotes.

Submission:

Labcorp Genetics (formerly Invitae), Labcorp
Classification: Uncertain significance for Catecholaminergic polymorphic ventricular tachycardia 1. Last evaluated: 2025-07-02. Review status: criteria provided, single submitter. Criteria: Invitae Variant Classification Sherloc (09022015). Collection method: clinical testing. Allele origin: germline.
Comment: This sequence change replaces arginine, which is basic and polar, with leucine, which is neutral and non-polar, at codon 160 of the CASQ2 protein (p.Arg160Leu). This variant is present in population databases (rs372283956, gnomAD 0.007%). This variant has not been reported in the literature in individuals affected with CASQ2-related conditions. Invitae Evidence Modeling of protein sequence and biophysical properties (such as structural, functional, and spatial information, amino acid conservation, physicochemical variation, residue mobility, and thermodynamic stability) indicates that this missense variant is not expected to disrupt CASQ2 protein function with a negative predictive value of 80%. In summary, the available evidence is currently insufficient to determine the role of this variant in disease. Therefore, it has been classified as a Variant of Uncertain Significance.